The following is an entry in ClinVar:

NM_198291.3(SRC):c.449+9C>T

Gene: SRC (SRC proto-oncogene, non-receptor tyrosine kinase; plus strand). Cytogenetic location: 20q11.23.
Variant type: single nucleotide variant.
Coding change: c.449+9C>T on transcript NM_198291.3 (MANE Select); 9 bases into the intron after coding-DNA position 449, C replaced by T.
Molecular consequence: intron variant.
Genome position (GRCh38, 1-based): chr20:37,394,002, C>T. VCF-style: chr20-37394002-C-T. GRCh37 (hg19) VCF-style: chr20-36022405-C-T.
Other names: p.?; c.449+9C>T (NM_005417.5).
Identifiers: ClinVar variation 708134 (VCV000708134.13), dbSNP rs56182609, ClinGen allele CA9847756.

ClinVar aggregate classification (germline): Benign/Likely benign. Review status: criteria provided, multiple submitters, no conflicts (2 of 4 stars). 7 submissions from 7 submitters: Benign (4); Likely benign (2). 1 of the submissions does not count toward it. Last evaluated 2025-09-18.

Conditions:
SRC-related disorder. Also called: SRC-related condition.

Allele frequency attached by ClinVar (database versions not stated): TOPMed 0.00544; gnomAD 0.00548 and 0.00616; ESP Exome Variant Server 0.00677; 1000 Genomes Project 0.00859; 1000 Genomes Project 30x 0.00859; gnomAD exomes 0.00881 and 0.00908; ExAC 0.00959.
gnomAD v4.1: 14,154 of 1,612,406 alleles (0.88%); highest among the groups gnomAD compares: South Asian, 2.3%; 106 homozygotes.

Submissions (7):

Mayo Clinic Laboratories, Mayo Clinic
Classification: Benign. Last evaluated: 2025-09-18. Review status: criteria provided, single submitter. Criteria: ACMG Guidelines, 2015. Collection method: clinical testing. Allele origin: germline. Observed: 7 variant alleles.
Comment: BS1, BP4, BP7

Genomic Medicine Center of Excellence, King Faisal Specialist Hospital and Research Centre
Classification: Likely benign. Last evaluated: 2025-08-18. Review status: criteria provided, single submitter. Criteria: ACMG Guidelines, 2015. Collection method: clinical testing. Allele origin: germline.

Blueprint Genetics
Classification: Likely benign. Last evaluated: 2024-11-27. Review status: criteria provided, single submitter. Criteria: ACMG Guidelines, 2015. Collection method: clinical testing. Allele origin: germline.

Labcorp Genetics (formerly Invitae), Labcorp
Classification: Benign. Last evaluated: 2019-12-31. Review status: criteria provided, single submitter. Criteria: Invitae Variant Classification Sherloc (09022015). Collection method: clinical testing. Allele origin: germline.

Genetic Services Laboratory, University of Chicago
Classification: Benign. Last evaluated: 2018-09-05. Review status: criteria provided, single submitter. Criteria: ACMG Guidelines, 2015. Collection method: clinical testing. Allele origin: germline. Affected: no.

Breakthrough Genomics
Classification: Benign. Review status: criteria provided, single submitter. Criteria: ACMG Guidelines, 2015. Collection method: not provided. Allele origin: germline. Inheritance: Autosomal dominant inheritance. Affected: yes.

PreventionGenetics, part of Exact Sciences
Classification: Benign for SRC-related condition. Last evaluated: 2024-05-09. Review status: no assertion criteria provided. Collection method: clinical testing. Allele origin: germline. Not counted in ClinVar's aggregate classification.
Comment: This variant is classified as benign based on ACMG/AMP sequence variant interpretation guidelines (Richards et al. 2015 PMID: 25741868, with internal and published modifications).